The following is an entry in ClinVar:

NM_001348716.2(KDM6B):c.1299_1300del (p.His434fs)

Gene: KDM6B (lysine demethylase 6B; plus strand). Cytogenetic location: 17p13.1.
Variant type: Microsatellite.
Coding change: c.1299_1300del on transcript NM_001348716.2 (MANE Select); coding-DNA positions 1299 to 1300, 2 bases deleted (TC; older notation c.1299_1300delTC).
Protein change: p.His434fs; shifts the reading frame from histidine 434.
Molecular consequence: frameshift variant.
Genome position (GRCh38, 1-based): chr17:7,847,587-7,847,588, TC deleted; deleting any 2 consecutive bases within chr17:7,847,583-7,847,588 gives the same sequence; the c. name uses the placement nearest the transcript's 3' end. VCF-style (leftmost placement, unchanged base first): chr17-7847582-GTC-G. GRCh37 (hg19) VCF-style: chr17-7750900-GTC-G.
Other names: c.1295_1296del (NM_001080424.2); c.1299_1300del, p.His434fs (NM_001080424.2); short protein forms H434fs.
Identifiers: ClinVar variation 1690922 (VCV001690922.3), dbSNP rs2151376850, ClinGen allele CA2580613991.

ClinVar aggregate classification (germline): Pathogenic. Review status: criteria provided, multiple submitters, no conflicts (2 of 4 stars). 2 submissions from 2 submitters: Pathogenic (2). Last evaluated 2025-01-20.

Conditions:
Neurodevelopmental disorder with coarse facies and mild distal skeletal abnormalities. Also called: STOLERMAN NEURODEVELOPMENTAL SYNDROME. Identifiers: MedGen C5193134, MONDO:0032790, OMIM 618505.

Submissions (2):

3billion
Classification: Pathogenic for Neurodevelopmental disorder with coarse facies and mild distal skeletal abnormalities. Last evaluated: 2025-01-20. Review status: criteria provided, single submitter. Criteria: ACMG Guidelines, 2015. Collection method: clinical testing. Allele origin: germline. Affected: yes.
Comment: The variant is not observed in the gnomAD v4.1.0 dataset. Predicted Consequence/Location: Frameshift: predicted to result in a loss or disruption of normal protein function through nonsense-mediated decay (NMD) or protein truncation. Multiple pathogenic variants are reported downstream of the variant. The variant has been reported to be associated with KDM6B-related disorder (ClinVar ID: VCV001690922). Therefore, this variant is classified as Pathogenic according to the recommendation of ACMG/AMP guideline.

Laboratorio de Genetica e Diagnostico Molecular, Hospital Israelita Albert Einstein
Classification: Pathogenic. Last evaluated: 2020-07-17. Review status: criteria provided, single submitter. Criteria: ACMG Guidelines, 2015. Collection method: clinical testing. Allele origin: germline. Affected: yes.
Comment: ACMG classification criteria: PVS1, PS2, PM2